The following is an entry in ClinVar:

ClinVar aggregate classification (germline): Uncertain significance (1 of 4 stars; one submission).

gnomAD v4.1: 2 of 1,599,880 alleles (0.00013%); highest among the groups gnomAD compares: Admixed American, 0.0017%; no homozygotes.

Submission:

Labcorp Genetics (formerly Invitae), Labcorp
Classification: Uncertain significance. Last evaluated: 2025-09-10. Review status: criteria provided, single submitter. Criteria: Invitae Variant Classification Sherloc (09022015). Collection method: clinical testing. Allele origin: germline.
Comment: This sequence change replaces arginine, which is basic and polar, with tryptophan, which is neutral and slightly polar, at codon 1680 of the DSCAML1 protein (p.Arg1680Trp). The frequency data for this variant in the population databases is considered unreliable, as metrics indicate poor data quality at this position in the gnomAD database. This variant has not been reported in the literature in individuals affected with DSCAML1-related conditions. An algorithm developed to predict the effect of missense changes on protein structure and function (PolyPhen-2) suggests that this variant is likely to be disruptive. In summary, the available evidence is currently insufficient to determine the role of this variant in disease. Therefore, it has been classified as a Variant of Uncertain Significance.

NM_020693.4(DSCAML1):c.4858C>T (p.Arg1620Trp)

Gene: DSCAML1 (DS cell adhesion molecule like 1; minus strand). Cytogenetic location: 11q23.3.
Variant type: single nucleotide variant.
Coding change: c.4858C>T on transcript NM_020693.4 (MANE Select); coding-DNA position 4858, C replaced by T.
Protein change: p.Arg1620Trp; replaces arginine 1620 with tryptophan.
Molecular consequence: missense variant.
Genome position (GRCh38, 1-based): chr11:117,435,662, G>A on the plus strand (C>T on the coding strand, the complement: DSCAML1 is on the minus strand). VCF-style: chr11-117435662-G-A. GRCh37 (hg19) VCF-style: chr11-117306378-G-A.
Other names: short protein forms R1620W.
Identifiers: ClinVar variation 4770396 (VCV004770396.1).